The following is an entry in ClinVar:

ClinVar aggregate classification (germline): Benign. Review status: criteria provided, multiple submitters, no conflicts (2 of 4 stars). 3 submissions from 3 submitters: Benign (3). Last evaluated 2022-12-01.

Allele frequency attached by ClinVar (database versions not stated): gnomAD exomes 0.00028 and 0.00070; ExAC 0.00095; 1000 Genomes Project 30x 0.00328; gnomAD 0.00331 and 0.00358; 1000 Genomes Project 0.00339; TOPMed 0.00380; ESP Exome Variant Server 0.00392.
gnomAD v4.1: 921 of 1,598,782 alleles (0.058%); highest among the groups gnomAD compares: African/African-American, 1.1%; 5 homozygotes.

Submissions (3):

CeGaT Center for Human Genetics Tuebingen
Classification: Benign. Last evaluated: 2022-12-01. Review status: criteria provided, single submitter. Criteria: CeGaT Center For Human Genetics Tuebingen Variant Classification Criteria Version 2. Collection method: clinical testing. Allele origin: germline. Affected: yes. Observed: 1 variant allele.
Comment: TANK: BP4, BS1, BS2

Labcorp Genetics (formerly Invitae), Labcorp
Classification: Benign. Last evaluated: 2018-04-04. Review status: criteria provided, single submitter. Criteria: Invitae Variant Classification Sherloc (09022015). Collection method: clinical testing. Allele origin: germline.

Breakthrough Genomics
Classification: Benign. Review status: criteria provided, single submitter. Criteria: ACMG Guidelines, 2015. Collection method: not provided. Allele origin: germline. Inheritance: Unknown mechanism. Affected: yes.

NM_001199135.3(TANK):c.337C>G (p.Gln113Glu)

Genes: PSMD14-DT (PSMD14 divergent transcript; minus strand), TANK (TRAF family member associated NFKB activator; plus strand). Cytogenetic location: 2q24.2.
Variant type: single nucleotide variant.
Coding change: c.337C>G on transcript NM_001199135.3 (MANE Select); coding-DNA position 337, C replaced by G.
Protein change: p.Gln113Glu; replaces glutamine 113 with glutamic acid.
Molecular consequence: missense variant.
Genome position (GRCh38, 1-based): chr2:161,223,924, C>G. VCF-style: chr2-161223924-C-G. GRCh37 (hg19) VCF-style: chr2-162080435-C-G.
Other names: c.337C>G, p.Gln113Glu (NM_004180.3); short protein forms Q113E.
Identifiers: ClinVar variation 727233 (VCV000727233.28), dbSNP rs137927475, ClinGen allele CA1930330.